The following is an entry in ClinVar:

NM_000238.4(KCNH2):c.2863C>G (p.Leu955Val)

Gene: KCNH2 (potassium voltage-gated channel subfamily H member 2; minus strand). Cytogenetic location: 7q36.1.
Variant type: single nucleotide variant.
Coding change: c.2863C>G on transcript NM_000238.4 (MANE Select); coding-DNA position 2863, C replaced by G.
Protein change: p.Leu955Val; replaces leucine 955 with valine.
Molecular consequence: missense variant.
Genome position (GRCh38, 1-based): chr7:150,947,708, G>C on the plus strand (C>G on the coding strand, the complement: KCNH2 is on the minus strand). VCF-style: chr7-150947708-G-C. GRCh37 (hg19) VCF-style: chr7-150644796-G-C.
Other names: p.Leu955Val; c.2863C>G (LRG_288t1); c.1843C>G, p.Leu615Val (NM_172057.3); short protein forms L615V, L955V.
Identifiers: ClinVar variation 67445 (VCV000067445.54), dbSNP rs199473012, ClinGen allele CA007537.

ClinVar aggregate classification (germline): Conflicting classifications of pathogenicity. Review status: criteria provided, conflicting classifications (1 of 4 stars). 14 submissions from 14 submitters: Likely pathogenic (3); Uncertain significance (10). 1 of the submissions does not count toward it. Last evaluated 2026-09-21.

Conditions:
Cardiovascular phenotype. Identifiers: MedGen CN230736.
Cardiac arrhythmia. Also called: Arrhythmia; Cardiac rhythm disease. Identifiers: MedGen C0003811, MONDO:0007263, HP:0011675.
Primary familial dilated cardiomyopathy (FDC). Also called: Familial dilated cardiomyopathy; Hypokinetic dilated cardiomyopathy, familial. Identifiers: Orphanet 217607, MedGen C0340427, MONDO:0016333.
Familial long QT syndrome (RWS). Also called: Congenital long QT syndrome; Romano-Ward syndrome; VENTRICULAR FIBRILLATION WITH PROLONGED QT INTERVAL. Identifiers: Orphanet 768, MedGen C1141890, MONDO:0019171.
Long QT syndrome (LQTS). Identifiers: MedGen C0023976, MeSH D008133, MONDO:0002442. Disease mechanism: loss of function. Inheritance: Various modes of inheritance.
Short QT syndrome type 1. Identifiers: Orphanet 51083, MedGen C1865020, MONDO:0012312, OMIM 609620.
Long QT syndrome 2 (LQT2). Identifiers: Orphanet 101016, Orphanet 768, MedGen C3150943, MONDO:0013367, OMIM 613688.

Allele frequency attached by ClinVar (database versions not stated): gnomAD 0.00005 and 0.00004; gnomAD exomes 0.00003; ExAC 0.00005; TOPMed 0.00002.
gnomAD v4.1: 92 of 1,585,518 alleles (0.0058%); highest among the groups gnomAD compares: Middle Eastern, 0.018%; no homozygotes.

Submissions (14):

Molecular Diagnostic Laboratory for Inherited Cardiovascular Disease, Montreal Heart Institute
Classification: Uncertain significance for Cardiovascular phenotype. Last evaluated: 2026-09-21. Review status: criteria provided, single submitter. Criteria: ACMG Guidelines, 2015. Collection method: clinical testing. Allele origin: germline. Affected: yes.
Comment: PS3_supp, PP1_mod, PP2

Petrovsky National Research Centre of Surgery, The Federal Agency for Scientific Organizations
Classification: Likely pathogenic for Primary familial dilated cardiomyopathy. Last evaluated: 2025-11-07. Review status: criteria provided, single submitter. Criteria: ACMG Guidelines, 2015. Collection method: research. Allele origin: germline. Inheritance: Autosomal dominant inheritance. Affected: yes.
Comment: Clinvar (VCV000067445.45) contains 14 conflicting entries for this variant (3 entries as likely pathogenic and 9 entries as uncertain significance). Variant NM_000238.4:c.2863C>G (p.Leu955Val) is located in a mutational hot spot (PM1). A functional study (Biliczki P, 2008 PMID: 18675227) supports the effect of this variant on protein (PS3_supporting). The variant is described in the literature in 3 probands with LQTS and 1 relative with SCD (PS4). NM_000238.4:c.2863C>G (p.Leu955Val) is in the Genome Aggregation Database (gnomAD) v4.1.0 with total MAF=0,00005803 (Date of access 04-11-2025). REVEL score is inconclusive. In accordance with ACMG (2015) criteria this variant is classified as Likely Pathogenic with following criteria selected: PS3_supporting, PS4, PM1, PM2

GeneDx
Classification: Uncertain significance. Last evaluated: 2025-11-05. Review status: criteria provided, single submitter. Criteria: GeneDx Variant Classification Process June 2021. Collection method: clinical testing. Allele origin: germline. Affected: yes.
Comment: Functional studies conducted using CHO and HEK cells demonstrated that the L955V variant led to a defect of protein trafficking, resulting in greatly reduced ion current in the plasma membrane; nevertheless, it is unclear how these studies may translate to a pathogenic role in vivo (PMID: 18675227); Not observed at significant frequency in large population cohorts (gnomAD); In silico analysis suggests that this missense variant does not alter protein structure/function; This variant is associated with the following publications: (PMID: 22581653, 11524404, 33258288, 39486665, 36203036, 35352813, 10973849, 38426305, 18675227)

Labcorp Genetics (formerly Invitae), Labcorp
Classification: Uncertain significance for Long QT syndrome. Last evaluated: 2025-11-03. Review status: criteria provided, single submitter. Criteria: Invitae Variant Classification Sherloc (09022015). Collection method: clinical testing. Allele origin: germline.
Comment: This sequence change replaces leucine, which is neutral and non-polar, with valine, which is neutral and non-polar, at codon 955 of the KCNH2 protein (p.Leu955Val). This variant is present in population databases (rs199473012, gnomAD 0.005%). This missense change has been observed in individual(s) with KCNH2-related conditions (PMID: 18675227, 35352813, 36203036, 38426305). ClinVar contains an entry for this variant (Variation ID: 67445). An algorithm developed to predict the effect of missense changes on protein structure and function (PolyPhen-2) suggests that this variant is likely to be disruptive. Experimental studies have shown that this missense change affects KCNH2 function (PMID: 18675227). In summary, the available evidence is currently insufficient to determine the role of this variant in disease. Therefore, it has been classified as a Variant of Uncertain Significance.

All of Us Research Program, National Institutes of Health
Classification: Uncertain significance for Long QT syndrome. Last evaluated: 2024-08-13. Review status: criteria provided, single submitter. Criteria: ACMG Guidelines, 2015. Collection method: clinical testing. Allele origin: germline. Inheritance: Autosomal dominant inheritance. Observed: 19 variant alleles, 19 heterozygotes.
Comment: This missense variant replaces leucine with valine at codon 955 of the KCNH2 protein. Computational prediction is inconclusive regarding the impact of this variant on protein structure and function (internally defined REVEL score threshold 0.5 < inconclusive < 0.7, PMID: 27666373). A functional study has shown that this variant impairs cellular trafficking of the protein and results in reduced potassium channel currents (PMID: 18675227). This variant has been reported in two individuals affected with long QT syndrome (PMID: 18675227, Pacheco et al., 2013) and in an individual affected with sudden unexplained death with a history of syncope (Buscemi et al., 2015). This variant has been identified in 5/194206 chromosomes in the general population by the Genome Aggregation Database (gnomAD). The available evidence is insufficient to determine the role of this variant in disease conclusively. Therefore, this variant is classified as a Variant of Uncertain Significance.

This study involves interpretation of variants in research participants for the purpose of population health screening. Participant phenotype was not available at the time of variant classification. Additional details can be found in publication PMID: 35346344, PMCID: PMC8962531

Women's Health and Genetics/Laboratory Corporation of America, LabCorp
Classification: Uncertain significance. Last evaluated: 2024-07-22. Review status: criteria provided, single submitter. Criteria: LabCorp Variant Classification Summary - May 2015. Collection method: clinical testing. Allele origin: germline.
Comment: Variant summary: KCNH2 c.2863C>G (p.Leu955Val) results in a conservative amino acid change in the encoded protein sequence. Four of five in-silico tools predict a benign effect of the variant on protein function. The variant allele was found at a frequency of 2.6e-05 in 194206 control chromosomes, predominantly at a frequency of 6e-05 within the Non-Finnish European subpopulation in the gnomAD database. c.2863C>G has been reported in the literature in individuals affected with Recurrent Syncope, Neurodevelopmental disorders and sudden unexpected death with Peripartum cardiomyopathy by postmortem (Biliczki_2008, Quaio_2020, Grondin_2022, Siskind_2022). These data do not allow any conclusion about variant significance. At least one publication reports experimental evidence evaluating an impact on protein function. The most pronounced variant effect results in about 25% of normal Potassium current, less than 10% of WT proteins from a heterologous expression in human embryonic kidney cells (Biliczki_2008). The following publications have been ascertained in the context of this evaluation (PMID: 18675227, 35352813, 33258288, 36203036). ClinVar contains an entry for this variant (Variation ID: 67445). Based on the evidence outlined above, the variant was classified as VUS-possibly pathogenic.

Color Diagnostics, LLC DBA Color Health
Classification: Uncertain significance for Cardiac arrhythmia. Last evaluated: 2024-05-06. Review status: criteria provided, single submitter. Criteria: ACMG Guidelines, 2015. Collection method: clinical testing. Allele origin: germline.
Comment: This missense variant replaces leucine with valine at codon 955 of the KCNH2 protein. Computational prediction is inconclusive regarding the impact of this variant on protein structure and function. A functional study has shown that this variant impairs cellular trafficking of the protein and results in reduced potassium channel currents (PMID: 18675227). This variant has been reported in two individuals affected with long QT syndrome (PMID: 18675227, Pacheco et al., 2013) and in an individual affected with sudden unexplained death with a history of syncope (Buscemi et al., 2015). This variant has been identified in 5/194206 chromosomes in the general population by the Genome Aggregation Database (gnomAD). The available evidence is insufficient to determine the role of this variant in disease conclusively. Therefore, this variant is classified as a Variant of Uncertain Significance.

Mayo Clinic Laboratories, Mayo Clinic
Classification: Uncertain significance. Last evaluated: 2024-02-22. Review status: criteria provided, single submitter. Criteria: ACMG Guidelines, 2015. Collection method: clinical testing. Allele origin: germline. Observed: 2 variant alleles.
Comment: BS4, PP2, PM2, PS3_supporting, PS4_moderate

CeGaT Center for Human Genetics Tuebingen
Classification: Uncertain significance. Last evaluated: 2024-02-01. Review status: criteria provided, single submitter. Criteria: CeGaT Center For Human Genetics Tuebingen Variant Classification Criteria Version 2. Collection method: clinical testing. Allele origin: germline. Affected: yes. Observed: 1 variant allele.
Comment: KCNH2: PS4:Moderate, PM2:Supporting, PS3:Supporting

Department of Pathology and Laboratory Medicine, Sinai Health System
Classification: Uncertain significance for Short QT syndrome type 1; Long QT syndrome 2. Last evaluated: 2022-06-24. Review status: criteria provided, single submitter. Criteria: ACMG Guidelines, 2015. Collection method: research. Allele origin: germline.

AiLife Diagnostics
Classification: Likely pathogenic. Last evaluated: 2022-01-18. Review status: criteria provided, single submitter. Criteria: ACMG Guidelines, 2015. Collection method: clinical testing. Allele origin: germline. Affected: yes. Observed: 2 variant alleles.

Ambry Genetics
Classification: Uncertain significance for Cardiovascular phenotype. Last evaluated: 2019-12-06. Review status: criteria provided, single submitter. Criteria: Ambry Variant Classification Scheme 2023. Collection method: clinical testing. Allele origin: germline.

ARUP Laboratories, Molecular Genetics and Genomics, ARUP Laboratories
Classification: Likely pathogenic. Last evaluated: 2017-11-06. Review status: criteria provided, single submitter. Criteria: ARUP Molecular Germline Variant Investigation Process. Collection method: clinical testing. Allele origin: germline.

Cardiovascular Biomedical Research Unit, Royal Brompton & Harefield NHS Foundation Trust
No classification provided. Condition: Familial long QT syndrome. Review status: no classification provided. Collection method: literature only. Allele origin: germline. Not counted in ClinVar's aggregate classification.
Comment: This variant has been reported as associated with Long QT syndrome in the following publications (PMID:18675227). This is a literature report, and does not necessarily reflect the clinical interpretation of the Imperial College / Royal Brompton Cardiovascular Genetics laboratory.

Literature cited by the submitters: PubMed 18675227 (cited by 8 submitters); PubMed 35352813 (cited by 3 submitters); PubMed 36203036 (cited by 3 submitters); PubMed 38426305 (cited by Labcorp Genetics (formerly Invitae), Labcorp); PubMed 33258288 (cited by 3 submitters); PubMed 22581653 (cited by Cardiovascular Biomedical Research Unit, Royal Brompton & Harefield NHS Foundation Trust).